The following is an entry in ClinVar:

NM_001037161.2(ACOT1):c.383A>G (p.Tyr128Cys)

Genes: ACOT1 (acyl-CoA thioesterase 1; plus strand), HEATR4 (HEAT repeat containing 4; minus strand). Cytogenetic location: 14q24.3.
Variant type: single nucleotide variant.
Coding change: c.383A>G on transcript NM_001037161.2 (MANE Select); coding-DNA position 383, A replaced by G.
Protein change: p.Tyr128Cys; replaces tyrosine 128 with cysteine.
Molecular consequence: missense variant. On other transcripts: intron variant (2).
Genome position (GRCh38, 1-based): chr14:73,537,804, A>G. VCF-style: chr14-73537804-A-G. GRCh37 (hg19) VCF-style: chr14-74004508-A-G.
Other names: c.-72-14580T>C (NM_203309.2); c.-151-7560T>C (NM_001220484.1); short protein forms Y128C.
Identifiers: ClinVar variation 2352562 (VCV002352562.27), dbSNP rs200381634, ClinGen allele CA7260367.

ClinVar aggregate classification (germline): Conflicting classifications of pathogenicity. Review status: criteria provided, conflicting classifications (1 of 4 stars). 2 submissions from 2 submitters: Uncertain significance (1); Likely benign (1). Last evaluated 2024-08-12.

Allele frequency attached by ClinVar (database versions not stated): 1000 Genomes Project 30x 0.00016; ExAC 0.00090; gnomAD 0.00104; gnomAD exomes 0.00159.
gnomAD v4.1: 1,853 of 1,218,114 alleles (0.15%); highest among the groups gnomAD compares: Non-Finnish European, 0.19%; 552 homozygotes.

Submissions (2):

Ambry Genetics
Classification: Uncertain significance. Last evaluated: 2024-08-12. Review status: criteria provided, single submitter. Criteria: Ambry Variant Classification Scheme 2023. Collection method: clinical testing. Allele origin: germline.

CeGaT Center for Human Genetics Tuebingen
Classification: Likely benign. Last evaluated: 2022-06-01. Review status: criteria provided, single submitter. Criteria: CeGaT Center For Human Genetics Tuebingen Variant Classification Criteria Version 2. Collection method: clinical testing. Allele origin: germline. Affected: yes. Observed: 1 variant allele.
Comment: ACOT1: BP4, BS1